The following is an entry in ClinVar:

NM_000051.4(ATM):c.8419-6T>G

Genes: ATM (ATM serine/threonine kinase; plus strand), C11orf65 (chromosome 11 open reading frame 65; minus strand). Cytogenetic location: 11q22.3.
Variant type: single nucleotide variant.
Coding change: c.8419-6T>G on transcript NM_000051.4 (MANE Select); 6 bases into the intron before coding-DNA position 8419, T replaced by G.
Molecular consequence: intron variant.
Genome position (GRCh38, 1-based): chr11:108,345,737, T>G. VCF-style: chr11-108345737-T-G. GRCh37 (hg19) VCF-style: chr11-108216464-T-G.
Other names: c.8419-6T>G (NM_001351834.2); c.641-36666A>C (NM_001330368.2); c.695-10445A>C (NM_001351110.2).
Identifiers: ClinVar variation 2019895 (VCV002019895.4), dbSNP rs2137022823, ClinGen allele CA2580083408.
Genomic context (GRCh38, chr11:108,345,737, plus strand): 5'-AAATGTGTATATTAGTTTAATTGAACACAATATTGAAAAATAATTATATATATTCTCTAT[T>G]TAAAGGAGGTGCAAAAAAAGTCTTTTGAAGAGAAATATGAAGTCTTCATGGATGTTTGCC-3'

ClinVar aggregate classification (germline): Uncertain significance (1 of 4 stars; one submission).

Conditions:
Ataxia-telangiectasia syndrome (AT). Also called: Ataxia-telangiectasia, complementation group D; AT, COMPLEMENTATION GROUP C; ATAXIA-TELANGIECTASIA, COMPLEMENTATION GROUP A; ATAXIA-TELANGIECTASIA, FRESNO VARIANT; Ataxia-telangiectasia, complementation group E; LOUIS-BAR SYNDROME. Identifiers: Orphanet 100, MedGen C0004135, MONDO:0008840, OMIM 208900.

Submission:

Labcorp Genetics (formerly Invitae), Labcorp
Classification: Uncertain significance for Ataxia-telangiectasia syndrome. Last evaluated: 2022-07-27. Review status: criteria provided, single submitter. Criteria: Invitae Variant Classification Sherloc (09022015). Collection method: clinical testing. Allele origin: germline.
Comment: In summary, the available evidence is currently insufficient to determine the role of this variant in disease. Therefore, it has been classified as a Variant of Uncertain Significance. Algorithms developed to predict the effect of sequence changes on RNA splicing suggest that this variant may disrupt the consensus splice site. This variant has not been reported in the literature in individuals affected with ATM-related conditions. This variant is not present in population databases (gnomAD no frequency). This sequence change falls in intron 57 of the ATM gene. It does not directly change the encoded amino acid sequence of the ATM protein.